The following is an entry in ClinVar:

ClinVar aggregate classification (germline): Likely pathogenic (1 of 4 stars; one submission).

Conditions:
Rare genetic deafness. Identifiers: Orphanet 96210, MedGen C5680250.

Submission:

Laboratory for Molecular Medicine, Mass General Brigham Personalized Medicine
Classification: Likely pathogenic for Rare genetic deafness. Last evaluated: 2010-09-02. Review status: criteria provided, single submitter. Criteria: LMM Criteria. Collection method: clinical testing. Allele origin: germline. Inheritance: Autosomal recessive inheritance. Observed: 2 variant alleles.
Comment: This residue is we ll-conserved and computational analyses (PolyPhen, SIFT) suggest it is likely to impact the protein. In addition, the fact that this variant involves a Cysteine residue makes it more likely to impact protein structure due to a high likeliho od of disulfide bond disruption. In summary, this variant is likely to be pathog enic.

NM_000260.4(MYO7A):c.458G>A (p.Cys153Tyr)

Gene: MYO7A (myosin VIIA; plus strand). Cytogenetic location: 11q13.5.
Variant type: single nucleotide variant.
Coding change: c.458G>A on transcript NM_000260.4 (MANE Select); coding-DNA position 458, G replaced by A.
Protein change: p.Cys153Tyr; replaces cysteine 153 with tyrosine.
Molecular consequence: missense variant.
Genome position (GRCh38, 1-based): chr11:77,156,079, G>A. VCF-style: chr11-77156079-G-A. GRCh37 (hg19) VCF-style: chr11-76867125-G-A.
Other names: c.458G>A, p.Cys153Tyr (NM_001127180.2); c.425G>A, p.Cys142Tyr (NM_001369365.1); short protein forms C153Y, C142Y.
Identifiers: ClinVar variation 43249 (VCV000043249.5), dbSNP rs397516312, ClinGen allele CA278672.
Genomic context (GRCh38, chr11:77,156,079, plus strand): 5'-ACATCTTTGCCATTGCTGACAACTGCTACTTCAACATGAAACGCAACAGCCGAGACCAGT[G>A]CTGCATCATCAGGTGGGCGGCCCAGCACCTGTGTGGAGCTCCAGGCTTAGGACCTAGAGC-3'
Protein context (NP_000251.3, residues 143-163): FNMKRNSRDQ[Cys153Tyr]CIISGESGAG